The following is an entry in ClinVar:

ClinVar aggregate classification (germline): Uncertain significance (1 of 4 stars; one submission).

Conditions:
Desbuquois dysplasia 1 (DBQD1). Also called: DESBUQUOIS DYSPLASIA 1, KIM VARIANT; MICROMELIC DWARFISM WITH VERTEBRAL AND METAPHYSEAL ABNORMALITIES AND ADVANCED CARPOTARSAL OSSIFICATION. Identifiers: Orphanet 1425, MedGen C4012146, MONDO:0009629, OMIM 251450.

Allele frequency attached by ClinVar (database versions not stated): TOPMed 0.00002.

Submission:

Labcorp Genetics (formerly Invitae), Labcorp
Classification: Uncertain significance for Desbuquois dysplasia 1. Last evaluated: 2021-08-26. Review status: criteria provided, single submitter. Criteria: Invitae Variant Classification Sherloc (09022015). Collection method: clinical testing. Allele origin: germline.
Comment: This sequence change replaces arginine with leucine at codon 98 of the XYLT1 protein (p.Arg98Leu). The arginine residue is weakly conserved and there is a moderate physicochemical difference between arginine and leucine. The frequency data for this variant in the population databases is considered unreliable, as metrics indicate insufficient coverage at this position in the ExAC database. This variant has not been reported in the literature in individuals affected with XYLT1-related conditions. Algorithms developed to predict the effect of missense changes on protein structure and function are either unavailable or do not agree on the potential impact of this missense change (SIFT: "Tolerated"; PolyPhen-2: "Not Available"; Align-GVGD: "Class C0"). In summary, the available evidence is currently insufficient to determine the role of this variant in disease. Therefore, it has been classified as a Variant of Uncertain Significance.

NM_022166.4(XYLT1):c.293G>T (p.Arg98Leu)

Gene: XYLT1 (xylosyltransferase 1; minus strand). Cytogenetic location: 16p12.3.
Variant type: single nucleotide variant.
Coding change: c.293G>T on transcript NM_022166.4 (MANE Select); coding-DNA position 293, G replaced by T.
Protein change: p.Arg98Leu; replaces arginine 98 with leucine.
Molecular consequence: missense variant.
Genome position (GRCh38, 1-based): chr16:17,470,504, C>A on the plus strand (G>T on the coding strand, the complement: XYLT1 is on the minus strand). VCF-style: chr16-17470504-C-A. GRCh37 (hg19) VCF-style: chr16-17564361-C-A.
Other names: short protein forms R98L.
Identifiers: ClinVar variation 1039763 (VCV001039763.6), dbSNP rs1800826564, ClinGen allele CA395220015.